The following is an entry in ClinVar:

ClinVar aggregate classification (germline): Likely pathogenic (1 of 4 stars; one submission).

Submission:

GeneDx
Classification: Likely pathogenic. Last evaluated: 2022-03-11. Review status: criteria provided, single submitter. Criteria: GeneDx Variant Classification Process June 2021. Collection method: clinical testing. Allele origin: germline. Affected: yes.
Comment: Not observed at significant frequency in large population cohorts (gnomAD); Missense variants in this gene are often considered pathogenic (HGMD); In silico analysis supports that this missense variant has a deleterious effect on protein structure/function; Has not been previously published as pathogenic or benign to our knowledge

NM_001399.5(EDA):c.1137C>A (p.Phe379Leu)

Gene: EDA (ectodysplasin A; plus strand). Cytogenetic location: Xq13.1.
Variant type: single nucleotide variant.
Coding change: c.1137C>A on transcript NM_001399.5 (MANE Select); coding-DNA position 1137, C replaced by A.
Protein change: p.Phe379Leu; replaces phenylalanine 379 with leucine.
Molecular consequence: missense variant.
Genome position (GRCh38, 1-based): chrX:70,035,570, C>A. VCF-style: chrX-70035570-C-A. GRCh37 (hg19) VCF-style: chrX-69255420-C-A.
Other names: c.1131C>A, p.Phe377Leu (NM_001005609.2); c.1122C>A, p.Phe374Leu (NM_001005612.3); short protein forms F379L, F377L, F374L.
Identifiers: ClinVar variation 418173 (VCV000418173.4), dbSNP rs780582849, ClinGen allele CA16621476.
Genomic context (GRCh38, chrX:70,035,570, plus strand): 5'-GATCGCCGTCAAGATGGTGCACGCTGACATCTCCATCAACATGAGCAAGCACACCACGTT[C>A]TTTGGGGCCATCAGGCTGGGTGAAGCCCCTGCATCCTAGATTCCCCCCATTTTGCCTCTG-3'
Protein context (NP_001390.1, residues 369-389): ISINMSKHTT[Phe379Leu]FGAIRLGEAP